The following is an entry in ClinVar:

NM_000755.5(CRAT):c.221A>G (p.Gln74Arg)

Gene: CRAT (carnitine O-acetyltransferase; minus strand). Cytogenetic location: 9q34.11.
Variant type: single nucleotide variant.
Coding change: c.221A>G on transcript NM_000755.5 (MANE Select); coding-DNA position 221, A replaced by G.
Protein change: p.Gln74Arg; replaces glutamine 74 with arginine.
Molecular consequence: missense variant. On other transcripts: intron variant (1).
Genome position (GRCh38, 1-based): chr9:129,107,884, T>C on the plus strand (A>G on the coding strand, the complement: CRAT is on the minus strand). VCF-style: chr9-129107884-T-C. GRCh37 (hg19) VCF-style: chr9-131870163-T-C.
Other names: c.158A>G, p.Gln53Arg (NM_001257363.3, NM_001346548.2, NM_004003.4); c.224A>G, p.Gln75Arg (NM_001346546.2); c.221A>G, p.Gln74Arg (NM_001346547.2); c.171+50A>G (NM_001346549.2); short protein forms Q53R, Q74R, Q75R.
Identifiers: ClinVar variation 1720371 (VCV001720371.5), dbSNP rs1848114734, ClinGen allele CA375108193.

ClinVar aggregate classification (germline): Uncertain significance (1 of 4 stars; one submission).

Submission:

Labcorp Genetics (formerly Invitae), Labcorp
Classification: Uncertain significance. Last evaluated: 2022-09-25. Review status: criteria provided, single submitter. Criteria: Invitae Variant Classification Sherloc (09022015). Collection method: clinical testing. Allele origin: germline.
Comment: In summary, the available evidence is currently insufficient to determine the role of this variant in disease. Therefore, it has been classified as a Variant of Uncertain Significance. This sequence change replaces glutamine, which is neutral and polar, with arginine, which is basic and polar, at codon 74 of the CRAT protein (p.Gln74Arg). This variant is not present in population databases (gnomAD no frequency). This variant has not been reported in the literature in individuals affected with CRAT-related conditions. Advanced modeling of protein sequence and biophysical properties (such as structural, functional, and spatial information, amino acid conservation, physicochemical variation, residue mobility, and thermodynamic stability) performed at Invitae indicates that this missense variant is not expected to disrupt CRAT protein function.